The following is an entry in ClinVar:

NM_001378615.1(CC2D2A):c.4675-15G>A

Genes: CC2D2A (coiled-coil and C2 domain containing 2A; plus strand), FBXL5 (F-box and leucine rich repeat protein 5; minus strand). Cytogenetic location: 4p15.32.
Variant type: single nucleotide variant.
Coding change: c.4675-15G>A on transcript NM_001378615.1 (MANE Select); 15 bases into the intron before coding-DNA position 4675, G replaced by A.
Molecular consequence: intron variant.
Genome position (GRCh38, 1-based): chr4:15,601,222, G>A. VCF-style: chr4-15601222-G-A. GRCh37 (hg19) VCF-style: chr4-15602845-G-A.
Other names: c.4675-15G>A (NM_001080522.2); c.4528-15G>A (NM_001378617.1).
Identifiers: ClinVar variation 1328011 (VCV001328011.14), dbSNP rs377573053, ClinGen allele CA2864450.

ClinVar aggregate classification (germline): Likely benign. Review status: criteria provided, multiple submitters, no conflicts (2 of 4 stars). 6 submissions from 6 submitters: Likely benign (3). 3 of the submissions do not count toward it. Last evaluated 2026-02-02.

Conditions:
Joubert syndrome 9 (JBTS9). Identifiers: Orphanet 2318, MedGen C2676788, MONDO:0012849, OMIM 612285.
COACH syndrome 2. Identifiers: MedGen C5436837, MONDO:0030859, OMIM 619111.
Meckel syndrome, type 6. Identifiers: Orphanet 564, MedGen C2676790, MONDO:0012848, OMIM 612284.
Retinitis pigmentosa 93. Identifiers: MedGen C5676970, MONDO:0030797, OMIM 619845.
CC2D2A-related disorder. Also called: CC2D2A-related disorders; CC2D2A-related condition. Identifiers: MedGen CN239313.
Joubert syndrome. Also called: JOUBERT-BOLTSHAUSER SYNDROME; Familial aplasia of the vermis. Identifiers: Orphanet 475, MedGen C5979921, MONDO:0018772.
Meckel-Gruber syndrome. Also called: DYSENCEPHALIA SPLANCHNOCYSTICA; GRUBER SYNDROME; Dysencephalia splachnocystica. Identifiers: Orphanet 564, MedGen C0265215, MONDO:0018921.

Allele frequency attached by ClinVar (database versions not stated): gnomAD exomes 0.00014; TOPMed 0.00018; ExAC 0.00019; gnomAD 0.00023 and 0.00026; ESP Exome Variant Server 0.00034.
gnomAD v4.1: 468 of 1,603,048 alleles (0.029%); highest among the groups gnomAD compares: Non-Finnish European, 0.038%; no homozygotes.

Submissions (6):

Labcorp Genetics (formerly Invitae), Labcorp
Classification: Likely benign for Joubert syndrome; Meckel-Gruber syndrome. Last evaluated: 2026-02-02. Review status: criteria provided, single submitter. Criteria: Invitae Variant Classification Sherloc (09022015). Collection method: clinical testing. Allele origin: germline.

Blueprint Genetics
Classification: Likely benign. Last evaluated: 2024-07-17. Review status: criteria provided, single submitter. Criteria: ACMG Guidelines, 2015. Collection method: clinical testing. Allele origin: germline.

Fulgent Genetics
Classification: Likely benign for Meckel syndrome, type 6; Joubert syndrome 9; COACH syndrome 2; Retinitis pigmentosa 93. Last evaluated: 2022-04-08. Review status: criteria provided, single submitter. Criteria: ACMG Guidelines, 2015. Collection method: clinical testing. Allele origin: unknown.

PreventionGenetics, part of Exact Sciences
Classification: Likely benign for CC2D2A-related condition. Last evaluated: 2022-05-26. Review status: no assertion criteria provided. Collection method: clinical testing. Allele origin: germline. Not counted in ClinVar's aggregate classification.
Comment: This variant is classified as likely benign based on ACMG/AMP sequence variant interpretation guidelines (Richards et al. 2015 PMID: 25741868, with internal and published modifications).

Clinical Genetics, Academic Medical Center
Classification: Benign. Review status: no assertion criteria provided. Collection method: clinical testing. Allele origin: germline. Affected: yes. Study: VKGL Data-share Consensus. Not counted in ClinVar's aggregate classification.

Genome Diagnostics Laboratory, University Medical Center Utrecht
Classification: Likely benign. Review status: no assertion criteria provided. Collection method: clinical testing. Allele origin: germline. Affected: yes. Study: VKGL Data-share Consensus. Not counted in ClinVar's aggregate classification.